The following is an entry in ClinVar:

NM_022124.6(CDH23):c.8044G>A (p.Glu2682Lys)

Genes: CDH23 (cadherin related 23; plus strand), LOC111982869 (Sharpr-MPRA regulatory region 2121; plus strand). Cytogenetic location: 10q22.1.
Variant type: single nucleotide variant.
Coding change: c.8044G>A on transcript NM_022124.6 (MANE Select); coding-DNA position 8044, G replaced by A.
Protein change: p.Glu2682Lys; replaces glutamic acid 2682 with lysine.
Molecular consequence: missense variant.
Genome position (GRCh38, 1-based): chr10:71,805,977, G>A. VCF-style: chr10-71805977-G-A. GRCh37 (hg19) VCF-style: chr10-73565734-G-A.
Other names: c.1324G>A, p.Glu442Lys (NM_001171933.1, NM_001171934.1); c.8044G>A (NM_022124.5); short protein forms E2682K, E442K.
Identifiers: ClinVar variation 3601658 (VCV003601658.2).
Genomic context (GRCh38, chr10:71,805,977, plus strand): 5'-GAGTTCTTCATCATCGACCCAATCAGCGGCCTCATCCAGACTGCTCAGCGCCTGGACCGC[G>A]AGTCGCAGGCGGTGTACAGCGTAAGGGCGGGGCCCGGTGCGAGGGGCGGGGTCTGGGGCG-3'
Protein context (NP_071407.4, residues 2672-2692): LIQTAQRLDR[Glu2682Lys]SQAVYSLILV

ClinVar aggregate classification (germline): Conflicting classifications of pathogenicity. Review status: criteria provided, conflicting classifications (1 of 4 stars). 2 submissions from 2 submitters: Pathogenic (1); Uncertain significance (1). Last evaluated 2025-06-10.

Conditions:
Usher syndrome type 1D (USH1D). Also called: USHER SYNDROME, TYPE ID. Identifiers: Orphanet 231169, Orphanet 886, MedGen C1832845, MONDO:0010984, OMIM 601067.

Submissions (2):

GeneDx
Classification: Uncertain significance. Last evaluated: 2025-06-10. Review status: criteria provided, single submitter. Criteria: GeneDx Variant Classification Process June 2021. Collection method: clinical testing. Allele origin: germline. Affected: yes.
Comment: Not observed at significant frequency in large population cohorts (gnomAD); In silico analysis supports that this missense variant has a deleterious effect on protein structure/function; This variant is associated with the following publications: (PMID: 35640668)

Institute of Rare Diseases, West China Hospital, Sichuan University
Classification: Pathogenic for Usher syndrome type 1D. Last evaluated: 2025-01-09. Review status: criteria provided, single submitter. Criteria: ClinGen HL ACMG Specifications v1. Collection method: research. Allele origin: germline. Affected: yes.